The following is an entry in ClinVar:

NM_002471.4(MYH6):c.5033G>A (p.Arg1678Gln)

Genes: MYH6 (myosin heavy chain 6; minus strand), LOC126861896 (BRD4-independent group 4 enhancer GRCh37_chr14:23854904-23856103; plus strand). Cytogenetic location: 14q11.2.
Variant type: single nucleotide variant.
Coding change: c.5033G>A on transcript NM_002471.4 (MANE Select); coding-DNA position 5033, G replaced by A.
Protein change: p.Arg1678Gln; replaces arginine 1678 with glutamine.
Molecular consequence: missense variant.
Genome position (GRCh38, 1-based): chr14:23,386,058, C>T on the plus strand (G>A on the coding strand, the complement: MYH6 is on the minus strand). VCF-style: chr14-23386058-C-T. GRCh37 (hg19) VCF-style: chr14-23855267-C-T.
Other names: short protein forms R1678Q.
Identifiers: ClinVar variation 568765 (VCV000568765.16), dbSNP rs141195890, ClinGen allele CA7114563.
Genomic context (GRCh38, chr14:23,386,058, plus strand): 5'-TCTGTCTGCTCCACCACGGCACGCAGCTCCTCCAGCTCAGCCTGCAGCAGGTTGTTGCGC[C>T]GCTCCACGATGGCGATGTTCTCCTTCAGGTCGTCGTTGGCACGGACCGCATCGTCCAGCT-3'
Protein context (NP_002462.2, residues 1668-1688): DLKENIAIVE[Arg1678Gln]RNNLLQAELE

ClinVar aggregate classification (germline): Uncertain significance. Review status: criteria provided, multiple submitters, no conflicts (2 of 4 stars). 3 submissions from 3 submitters: Uncertain significance (3). Last evaluated 2026-01-23.

Conditions:
Cardiovascular phenotype. Identifiers: MedGen CN230736.
Hypertrophic cardiomyopathy 14. Identifiers: MedGen C2750467, MONDO:0013197, OMIM 613251.

Allele frequency attached by ClinVar (database versions not stated): gnomAD exomes below 0.00001 and 0.00002; gnomAD 0.00001; TOPMed 0.00001; ExAC 0.00002; ESP Exome Variant Server 0.00008.
gnomAD v4.1: 6 of 1,614,082 alleles (0.00037%); highest among the groups gnomAD compares: Admixed American, 0.0017%; no homozygotes.

Submissions (3):

Ambry Genetics
Classification: Uncertain significance for Cardiovascular phenotype. Last evaluated: 2026-01-23. Review status: criteria provided, single submitter. Criteria: Ambry Variant Classification Scheme 2023. Collection method: clinical testing. Allele origin: germline.
Comment: The p.R1678Q variant (also known as c.5033G>A), located in coding exon 32 of the MYH6 gene, results from a G to A substitution at nucleotide position 5033. The arginine at codon 1678 is replaced by glutamine, an amino acid with highly similar properties. This amino acid position is highly conserved in available vertebrate species. In addition, the in silico prediction for this alteration is inconclusive. Based on the available evidence, the clinical significance of this variant remains unclear.

Labcorp Genetics (formerly Invitae), Labcorp
Classification: Uncertain significance for Hypertrophic cardiomyopathy 14. Last evaluated: 2025-03-19. Review status: criteria provided, single submitter. Criteria: Invitae Variant Classification Sherloc (09022015). Collection method: clinical testing. Allele origin: germline.
Comment: This sequence change replaces arginine, which is basic and polar, with glutamine, which is neutral and polar, at codon 1678 of the MYH6 protein (p.Arg1678Gln). This variant is present in population databases (rs141195890, gnomAD 0.009%). This variant has not been reported in the literature in individuals affected with MYH6-related conditions. ClinVar contains an entry for this variant (Variation ID: 568765). Invitae Evidence Modeling of protein sequence and biophysical properties (such as structural, functional, and spatial information, amino acid conservation, physicochemical variation, residue mobility, and thermodynamic stability) indicates that this missense variant is not expected to disrupt MYH6 protein function with a negative predictive value of 80%. In summary, the available evidence is currently insufficient to determine the role of this variant in disease. Therefore, it has been classified as a Variant of Uncertain Significance.

GeneDx
Classification: Uncertain significance. Last evaluated: 2021-06-17. Review status: criteria provided, single submitter. Criteria: GeneDx Variant Classification Process June 2021. Collection method: clinical testing. Allele origin: germline. Affected: yes.
Comment: Has not been previously published as pathogenic or benign to our knowledge; Not observed at significant frequency in large population cohorts (Lek et al., 2016); In silico analysis supports that this missense variant has a deleterious effect on protein structure/function; Reported in ClinVar as a variant of uncertain significance (ClinVar Variant ID# 568765; Landrum et al., 2016); This variant is associated with the following publications: (PMID: 27535533)